The following is an entry in ClinVar:

ClinVar aggregate classification (germline): Uncertain significance. Review status: criteria provided, multiple submitters, no conflicts (2 of 4 stars). 2 submissions from 2 submitters: Uncertain significance (2). Last evaluated 2025-03-27.

Conditions:
Charcot-Marie-Tooth disease type 2. Also called: Charcot-Marie-Tooth type 2. Identifiers: Orphanet 64746, MedGen C0270914, MONDO:0018993.

Submissions (2):

Labcorp Genetics (formerly Invitae), Labcorp
Classification: Uncertain significance for Charcot-Marie-Tooth disease type 2. Last evaluated: 2025-03-27. Review status: criteria provided, single submitter. Criteria: Invitae Variant Classification Sherloc (09022015). Collection method: clinical testing. Allele origin: germline.
Comment: This sequence change replaces arginine, which is basic and polar, with histidine, which is basic and polar, at codon 119 of the LMNA protein (p.Arg119His). This variant also falls at the last nucleotide of exon 1, which is part of the consensus splice site for this exon. This variant is not present in population databases (gnomAD no frequency). This missense change has been observed in individual(s) with clinical features of LMNA-related conditions (PMID: 32528171). ClinVar contains an entry for this variant (Variation ID: 2171638). An algorithm developed to predict the effect of missense changes on protein structure and function (PolyPhen-2) suggests that this variant is likely to be disruptive. Variants that disrupt the consensus splice site are a relatively common cause of aberrant splicing (PMID: 17576681, 9536098). Algorithms developed to predict the effect of sequence changes on RNA splicing suggest that this variant may create or strengthen a splice site. In summary, the available evidence is currently insufficient to determine the role of this variant in disease. Therefore, it has been classified as a Variant of Uncertain Significance.

GeneDx
Classification: Uncertain significance. Last evaluated: 2024-01-04. Review status: criteria provided, single submitter. Criteria: GeneDx Variant Classification Process June 2021. Collection method: clinical testing. Allele origin: germline. Affected: yes.
Comment: Reported previously in an individual with unexplained limb-girdle weakness and/or elevated creatine kinase, however other clinical and molecular information was not provided (PMID: 32528171); Not observed at significant frequency in large population cohorts (gnomAD); In silico analysis supports a deleterious effect on splicing; This variant is associated with the following publications: (PMID: 10939567, 32528171)

Literature cited by the submitters: PubMed 32528171 (cited by Labcorp Genetics (formerly Invitae), Labcorp); PubMed 17576681 (cited by Labcorp Genetics (formerly Invitae), Labcorp); PubMed 9536098 (cited by Labcorp Genetics (formerly Invitae), Labcorp).

NM_170707.4(LMNA):c.356G>A (p.Arg119His)

Gene: LMNA (lamin A/C; plus strand). Cytogenetic location: 1q22.
Variant type: single nucleotide variant.
Coding change: c.356G>A on transcript NM_170707.4 (MANE Select); coding-DNA position 356, G replaced by A.
Protein change: p.Arg119His; replaces arginine 119 with histidine.
Molecular consequence: missense variant.
Genome position (GRCh38, 1-based): chr1:156,115,274, G>A. VCF-style: chr1-156115274-G-A. GRCh37 (hg19) VCF-style: chr1-156085065-G-A.
Other names: c.356G>A, p.Arg119His (NM_001282625.2, NM_001282626.2, NM_001406983.1 and 6 more transcripts); c.-68G>A (NM_001406986.1); c.-46G>A (NM_001406990.1, NM_001406995.1, NM_001407002.1); c.-309G>A (NM_001406994.1, NM_001407000.1); c.-489G>A (NM_001406999.1); c.-152G>A (NM_001407001.1); short protein forms R119H.
Identifiers: ClinVar variation 2171638 (VCV002171638.5), dbSNP rs397517902, ClinGen allele CA342808909.